The following is an entry in ClinVar:

ClinVar aggregate classification (germline): Uncertain significance. Review status: criteria provided, multiple submitters, no conflicts (2 of 4 stars). 3 submissions from 3 submitters: Uncertain significance (3). Last evaluated 2025-02-04.

Conditions:
Inborn genetic diseases. Identifiers: MedGen C0950123, MeSH D030342.
Fanconi anemia (FA). Also called: Fanconi's anemia. Identifiers: Orphanet 84, MedGen C0015625, MeSH D005199, MONDO:0019391.

gnomAD v4.1: 1 of 1,613,658 alleles (0.000062%); highest among the groups gnomAD compares: Non-Finnish European, 0.000085%; no homozygotes.

Submissions (3):

Quest Diagnostics Nichols Institute San Juan Capistrano
Classification: Uncertain significance. Last evaluated: 2025-02-04. Review status: criteria provided, single submitter. Criteria: Quest Diagnostics criteria. Collection method: clinical testing. Allele origin: unknown.
Comment: The FANCA c.1456C>T (p.Pro486Ser) variant has not been reported in individuals with FANCA-related conditions in the published literature. It also has not been reported in large, multi-ethnic general populations (Genome Aggregation Database). Analysis of this variant using bioinformatics tools for the prediction of the effect of amino acid changes on protein structure and function yielded conflicting predictions that this variant is benign or damaging. Based on the available information, we are unable to determine the clinical significance of this variant.

Ambry Genetics
Classification: Uncertain significance for Inborn genetic diseases. Last evaluated: 2024-12-14. Review status: criteria provided, single submitter. Criteria: Ambry Variant Classification Scheme 2023. Collection method: clinical testing. Allele origin: germline.
Comment: The p.P486S variant (also known as c.1456C>T), located in coding exon 15 of the FANCA gene, results from a C to T substitution at nucleotide position 1456. The proline at codon 486 is replaced by serine, an amino acid with similar properties. This amino acid position is conserved. In addition, the in silico prediction for this alteration is inconclusive. Based on the available evidence, the clinical significance of this variant remains unclear.

Labcorp Genetics (formerly Invitae), Labcorp
Classification: Uncertain significance for Fanconi anemia. Last evaluated: 2023-08-28. Review status: criteria provided, single submitter. Criteria: Invitae Variant Classification Sherloc (09022015). Collection method: clinical testing. Allele origin: germline.
Comment: In summary, the available evidence is currently insufficient to determine the role of this variant in disease. Therefore, it has been classified as a Variant of Uncertain Significance. Advanced modeling of protein sequence and biophysical properties (such as structural, functional, and spatial information, amino acid conservation, physicochemical variation, residue mobility, and thermodynamic stability) has been performed at Invitae for this missense variant, however the output from this modeling did not meet the statistical confidence thresholds required to predict the impact of this variant on FANCA protein function. ClinVar contains an entry for this variant (Variation ID: 2061967). This variant has not been reported in the literature in individuals affected with FANCA-related conditions. This variant is not present in population databases (gnomAD no frequency). This sequence change replaces proline, which is neutral and non-polar, with serine, which is neutral and polar, at codon 486 of the FANCA protein (p.Pro486Ser).

NM_000135.4(FANCA):c.1456C>T (p.Pro486Ser)

Gene: FANCA (FA complementation group A; minus strand). Cytogenetic location: 16q24.3.
Variant type: single nucleotide variant.
Coding change: c.1456C>T on transcript NM_000135.4 (MANE Select); coding-DNA position 1456, C replaced by T.
Protein change: p.Pro486Ser; replaces proline 486 with serine.
Molecular consequence: missense variant.
Genome position (GRCh38, 1-based): chr16:89,784,868, G>A on the plus strand (C>T on the coding strand, the complement: FANCA is on the minus strand). VCF-style: chr16-89784868-G-A. GRCh37 (hg19) VCF-style: chr16-89851276-G-A.
Other names: c.1456C>T, p.Pro486Ser (NM_001286167.3); c.1456C>T (NM_000135.3); short protein forms P486S.
Identifiers: ClinVar variation 2061967 (VCV002061967.6), dbSNP rs2544249918, ClinGen allele CA397459652.